The following is an entry in ClinVar:

NM_006017.3(PROM1):c.2269A>T (p.Ile757Phe)

Gene: PROM1 (prominin 1; minus strand). Cytogenetic location: 4p15.32.
Variant type: single nucleotide variant.
Coding change: c.2269A>T on transcript NM_006017.3 (MANE Select); coding-DNA position 2269, A replaced by T.
Protein change: p.Ile757Phe; replaces isoleucine 757 with phenylalanine.
Molecular consequence: missense variant.
Genome position (GRCh38, 1-based): chr4:15,985,771, T>A on the plus strand (A>T on the coding strand, the complement: PROM1 is on the minus strand). VCF-style: chr4-15985771-T-A. GRCh37 (hg19) VCF-style: chr4-15987394-T-A.
Other names: c.2242A>T, p.Ile748Phe (NM_001145847.2, NM_001145848.2, NM_001145851.2 and 4 more transcripts); c.2269A>T, p.Ile757Phe (NM_001145849.2, NM_001145850.2); short protein forms I748F, I757F.
Identifiers: ClinVar variation 1999989 (VCV001999989.4), dbSNP rs2475038792, ClinGen allele CA356427853.

ClinVar aggregate classification (germline): Uncertain significance (1 of 4 stars; one submission).

Allele frequency attached by ClinVar (database versions not stated): gnomAD exomes below 0.00001.
gnomAD v4.1: 3 of 1,565,682 alleles (0.00019%); highest among the groups gnomAD compares: Non-Finnish European, 0.00026%; no homozygotes.

Submission:

Labcorp Genetics (formerly Invitae), Labcorp
Classification: Uncertain significance. Last evaluated: 2023-09-20. Review status: criteria provided, single submitter. Criteria: Invitae Variant Classification Sherloc (09022015). Collection method: clinical testing. Allele origin: germline.
Comment: This variant has not been reported in the literature in individuals affected with PROM1-related conditions. ClinVar contains an entry for this variant (Variation ID: 1999989). Advanced modeling of protein sequence and biophysical properties (such as structural, functional, and spatial information, amino acid conservation, physicochemical variation, residue mobility, and thermodynamic stability) performed at Invitae indicates that this missense variant is not expected to disrupt PROM1 protein function. In summary, the available evidence is currently insufficient to determine the role of this variant in disease. Therefore, it has been classified as a Variant of Uncertain Significance. This variant is not present in population databases (gnomAD no frequency). This sequence change replaces isoleucine, which is neutral and non-polar, with phenylalanine, which is neutral and non-polar, at codon 757 of the PROM1 protein (p.Ile757Phe).